The following is an entry in ClinVar:

NM_001127222.2(CACNA1A):c.6757C>G (p.Arg2253Gly)

Genes: CACNA1A (calcium voltage-gated channel subunit alpha1 A; minus strand), LOC130063717 (ATAC-STARR-seq lymphoblastoid silent region 10203; plus strand). Cytogenetic location: 19p13.13.
Variant type: single nucleotide variant.
Coding change: c.6757C>G on transcript NM_001127222.2 (MANE Select); coding-DNA position 6757, C replaced by G.
Protein change: p.Arg2253Gly; replaces arginine 2253 with glycine.
Molecular consequence: missense variant.
Genome position (GRCh38, 1-based): chr19:13,208,779, G>C on the plus strand (C>G on the coding strand, the complement: CACNA1A is on the minus strand). VCF-style: chr19-13208779-G-C. GRCh37 (hg19) VCF-style: chr19-13319593-G-C.
Other names: c.6775C>G, p.Arg2259Gly (NM_000068.4, NM_023035.3); c.6760C>G, p.Arg2254Gly (NM_001127221.2); c.6766C>G, p.Arg2256Gly (NM_001174080.2); short protein forms R2259G, R2256G, R2253G, R2254G.
Identifiers: ClinVar variation 2939177 (VCV002939177.3), dbSNP rs1166102159, ClinGen allele CA404329411.
Genomic context (GRCh38, chr19:13,208,779, plus strand): 5'-CCGAGCCCAGCCTGGGGTCACTTGCAGCCGCACCCACCTGCCGGTGCGCCATGTGCTCTC[G>C]GCCCTCGCTGGGCGAGCGGGACCAGCGCTGGTCCCGAGCCCGTGCCCGGCCGTGGTCCGG-3'
Protein context (NP_001120694.1, residues 2243-2263): QRWSRSPSEG[Arg2253Gly]EHMAHRQGSS

ClinVar aggregate classification (germline): Uncertain significance (1 of 4 stars; one submission).

Conditions:
Episodic ataxia type 2 (EA2). Also called: CEREBELLAR ATAXIA, PAROXYSMAL, ACETAZOLAMIDE-RESPONSIVE; CEREBELLOPATHY, HEREDITARY PAROXYSMAL; EPISODIC ATAXIA, NYSTAGMUS-ASSOCIATED; ACETAZOLAMIDE-RESPONSIVE HEREDITARY PAROXYSMAL CEREBELLAR ATAXIA; ATAXIA, EPISODIC, WITH NYSTAGMUS; ATAXIA, FAMILIAL PAROXYSMAL. Identifiers: Orphanet 97, MedGen C1720416, MONDO:0007163, OMIM 108500.
Developmental and epileptic encephalopathy, 42 (DEE42A). Also called: Epileptic encephalopathy, early infantile, 42; DEVELOPMENTAL AND EPILEPTIC ENCEPHALOPATHY 42A; EPILEPTIC ENCEPHALOPATHY, EARLY INFANTILE, 42A. Identifiers: MedGen C4310716, MONDO:0014917, OMIM 617106.

gnomAD v4.1: 3 of 1,568,660 alleles (0.00019%); highest among the groups gnomAD compares: East Asian, 0.0023%; no homozygotes.

Submission:

Labcorp Genetics (formerly Invitae), Labcorp
Classification: Uncertain significance for Developmental and epileptic encephalopathy, 42; Episodic ataxia type 2. Last evaluated: 2023-11-12. Review status: criteria provided, single submitter. Criteria: Invitae Variant Classification Sherloc (09022015). Collection method: clinical testing. Allele origin: germline.
Comment: This sequence change replaces arginine, which is basic and polar, with glycine, which is neutral and non-polar, at codon 2254 of the CACNA1A protein (p.Arg2254Gly). This variant is not present in population databases (gnomAD no frequency). This variant has not been reported in the literature in individuals affected with CACNA1A-related conditions. Advanced modeling of protein sequence and biophysical properties (such as structural, functional, and spatial information, amino acid conservation, physicochemical variation, residue mobility, and thermodynamic stability) performed at Invitae indicates that this missense variant is not expected to disrupt CACNA1A protein function with a negative predictive value of 95%. In summary, the available evidence is currently insufficient to determine the role of this variant in disease. Therefore, it has been classified as a Variant of Uncertain Significance.